The following is an entry in ClinVar:

NM_032043.3(BRIP1):c.3039T>A (p.Thr1013=)

Gene: BRIP1 (BRCA1 interacting DNA helicase 1; minus strand). Cytogenetic location: 17q23.2.
Variant type: single nucleotide variant.
Coding change: c.3039T>A on transcript NM_032043.3 (MANE Select); coding-DNA position 3039, T replaced by A.
Protein change: p.Thr1013=; no amino-acid change (threonine 1013 retained).
Molecular consequence: synonymous variant.
Genome position (GRCh38, 1-based): chr17:61,684,007, A>T on the plus strand (T>A on the coding strand, the complement: BRIP1 is on the minus strand). VCF-style: chr17-61684007-A-T. GRCh37 (hg19) VCF-style: chr17-59761368-A-T.
Identifiers: ClinVar variation 216796 (VCV000216796.36), dbSNP rs863224803, ClinGen allele CA338496.

ClinVar aggregate classification (germline): Likely benign. Review status: criteria provided, multiple submitters, no conflicts (2 of 4 stars). 3 submissions from 3 submitters: Likely benign (3). Last evaluated 2025-03-30.

Conditions:
Hereditary cancer-predisposing syndrome. Also called: Tumor predisposition; Neoplastic Syndromes, Hereditary; Hereditary Cancer Syndrome; Hereditary neoplastic syndrome. Identifiers: Orphanet 140162, MedGen C0027672, MeSH D009386, MONDO:0015356.
Fanconi anemia complementation group J. Also called: BRIP1-Related Fanconi Anemia. Identifiers: Orphanet 84, MedGen C1836860, MONDO:0012187, OMIM 609054.
Familial cancer of breast. Also called: BREAST CANCER, FAMILIAL; hereditary breast carcinoma; Hereditary breast cancer. Identifiers: Orphanet 227535, MedGen C0346153, MONDO:0016419, OMIM 114480. Disease mechanism: loss of function.

Submissions (3):

Labcorp Genetics (formerly Invitae), Labcorp
Classification: Likely benign for Familial cancer of breast; Fanconi anemia complementation group J. Last evaluated: 2025-03-30. Review status: criteria provided, single submitter. Criteria: Invitae Variant Classification Sherloc (09022015). Collection method: clinical testing. Allele origin: germline.

CeGaT Center for Human Genetics Tuebingen
Classification: Likely benign. Last evaluated: 2022-04-01. Review status: criteria provided, single submitter. Criteria: CeGaT Center For Human Genetics Tuebingen Variant Classification Criteria Version 2. Collection method: clinical testing. Allele origin: germline. Affected: yes. Observed: 1 variant allele.
Comment: BRIP1: PM2:Supporting, BP4, BP7

Ambry Genetics
Classification: Likely benign for Hereditary cancer-predisposing syndrome. Last evaluated: 2020-11-15. Review status: criteria provided, single submitter. Criteria: Ambry Variant Classification Scheme 2023. Collection method: clinical testing. Allele origin: germline.